The following is an entry in ClinVar:

ClinVar aggregate classification (germline): Conflicting classifications of pathogenicity. Review status: criteria provided, conflicting classifications (1 of 4 stars). 2 submissions from 2 submitters: Pathogenic (1); Uncertain significance (1). Last evaluated 2022-06-27.

Conditions:
Familial thoracic aortic aneurysm and aortic dissection (TAAD). Also called: Thoracic aortic aneurysms and dissections. Identifiers: Orphanet 91387, MedGen C4707243, MONDO:0019625.
Marfan syndrome (MFS). Also called: FBN1-Related Marfan Syndrome; Marfan's syndrome; MARFAN SYNDROME, TYPE I; Marfan syndrome type 1; Marfan syndrome, classic. Identifiers: Orphanet 284963, Orphanet 558, MedGen C0024796, MONDO:0007947, OMIM 154700.
Isolated thoracic aortic aneurysm.

Submissions (2):

Labcorp Genetics (formerly Invitae), Labcorp
Classification: Pathogenic for Marfan syndrome; Familial thoracic aortic aneurysm and aortic dissection. Last evaluated: 2022-06-27. Review status: criteria provided, single submitter. Criteria: Invitae Variant Classification Sherloc (09022015). Collection method: clinical testing. Allele origin: germline.
Comment: This variant is not present in population databases (gnomAD no frequency). This sequence change replaces glycine, which is neutral and non-polar, with arginine, which is basic and polar, at codon 2546 of the FBN1 protein (p.Gly2546Arg). This missense change has been observed in individuals with clinical features of FBN1-related conditions (Invitae). For these reasons, this variant has been classified as Pathogenic. Advanced modeling of protein sequence and biophysical properties (such as structural, functional, and spatial information, amino acid conservation, physicochemical variation, residue mobility, and thermodynamic stability) performed at Invitae indicates that this missense variant is expected to disrupt FBN1 protein function. ClinVar contains an entry for this variant (Variation ID: 859479).

Department of Vascular Biology, Beijing Anzhen Hospital
Classification: Uncertain significance for Isolated thoracic aortic aneurysm. Last evaluated: 2018-09-01. Review status: criteria provided, single submitter. Criteria: ACMG Guidelines, 2015. Collection method: research. Allele origin: germline. Affected: yes.

NM_000138.5(FBN1):c.7636G>A (p.Gly2546Arg)

Gene: FBN1 (fibrillin 1; minus strand). Cytogenetic location: 15q21.1.
Variant type: single nucleotide variant.
Coding change: c.7636G>A on transcript NM_000138.5 (MANE Select); coding-DNA position 7636, G replaced by A.
Protein change: p.Gly2546Arg; replaces glycine 2546 with arginine.
Molecular consequence: missense variant.
Genome position (GRCh38, 1-based): chr15:48,421,621, C>T on the plus strand (G>A on the coding strand, the complement: FBN1 is on the minus strand). VCF-style: chr15-48421621-C-T. GRCh37 (hg19) VCF-style: chr15-48713818-C-T.
Other names: short protein forms G2546R.
Identifiers: ClinVar variation 859479 (VCV000859479.12), dbSNP rs2042942573, ClinGen allele CA392325184.